The following is an entry in ClinVar:

NM_032833.5(PPP1R15B):c.1A>G (p.Met1Val)

Gene: PPP1R15B (protein phosphatase 1 regulatory subunit 15B; minus strand). Cytogenetic location: 1q32.1.
Variant type: single nucleotide variant.
Coding change: c.1A>G on transcript NM_032833.5 (MANE Select); coding-DNA position 1, A replaced by G.
Protein change: p.Met1Val; changes the start codon (methionine 1).
Molecular consequence: missense variant, initiator codon variant.
Genome position (GRCh38, 1-based): chr1:204,411,411, T>C on the plus strand (A>G on the coding strand, the complement: PPP1R15B is on the minus strand). VCF-style: chr1-204411411-T-C. GRCh37 (hg19) VCF-style: chr1-204380539-T-C.
Other names: short protein forms M1V.
Identifiers: ClinVar variation 2112260 (VCV002112260.5), dbSNP rs369981422, ClinGen allele CA1346930.

ClinVar aggregate classification (germline): Uncertain significance (1 of 4 stars; one submission).

Allele frequency attached by ClinVar (database versions not stated): gnomAD exomes below 0.00001; TOPMed 0.00002; ExAC 0.00003; gnomAD 0.00003; ESP Exome Variant Server 0.00008.

Submission:

Labcorp Genetics (formerly Invitae), Labcorp
Classification: Uncertain significance. Last evaluated: 2025-04-07. Review status: criteria provided, single submitter. Criteria: Invitae Variant Classification Sherloc (09022015). Collection method: clinical testing. Allele origin: germline.
Comment: This sequence change affects the initiator methionine of the PPP1R15B mRNA. The next in-frame methionine is located at codon 91. This variant is present in population databases (rs369981422, gnomAD 0.003%). This variant has not been reported in the literature in individuals affected with PPP1R15B-related conditions. ClinVar contains an entry for this variant (Variation ID: 2112260). Experimental studies and prediction algorithms are not available or were not evaluated, and the functional significance of this variant is currently unknown. In summary, the available evidence is currently insufficient to determine the role of this variant in disease. Therefore, it has been classified as a Variant of Uncertain Significance.